The following is an entry in ClinVar:

ClinVar aggregate classification (germline): Benign (1 of 4 stars; one submission).

Conditions:
Breast-ovarian cancer, familial, susceptibility to, 4. Identifiers: Orphanet 145, MedGen C3280345, MONDO:0013669, OMIM 614291.

Submission:

Myriad Genetics, Inc.
Classification: Benign for Breast-ovarian cancer, familial, susceptibility to, 4. Last evaluated: 2025-02-24. Review status: criteria provided, single submitter. Criteria: Myriad Autosomal Dominant, Autosomal Recessive and X-Linked Classification Criteria (2023). Collection method: clinical testing. Allele origin: unknown.
Comment: This variant is considered benign. This variant is a silent/synonymous amino acid change and it is not expected to impact splicing.

NM_002878.4(RAD51D):c.660G>A (p.Gln220=)

Genes: RAD51L3-RFFL (RAD51L3-RFFL readthrough; minus strand), RAD51D (RAD51 paralog D; minus strand). Cytogenetic location: 17q12.
Variant type: single nucleotide variant.
Coding change: c.660G>A on transcript NM_002878.4 (MANE Select); coding-DNA position 660, G replaced by A.
Protein change: p.Gln220=; no amino-acid change (glutamine 220 retained).
Molecular consequence: synonymous variant. On other transcripts: non-coding transcript variant (3).
Genome position (GRCh38, 1-based): chr17:35,103,461, C>T on the plus strand (G>A on the coding strand, the complement: RAD51D is on the minus strand). VCF-style: chr17-35103461-C-T. GRCh37 (hg19) VCF-style: chr17-33430480-C-T.
Other names: c.720G>A, p.Gln240= (NM_001142571.2); c.324G>A, p.Gln108= (NM_133629.3).
Identifiers: ClinVar variation 3903882 (VCV003903882.1).